The following is an entry in ClinVar:

ClinVar aggregate classification (germline): Uncertain significance. Review status: criteria provided, multiple submitters, no conflicts (2 of 4 stars). 3 submissions from 3 submitters: Uncertain significance (3). Last evaluated 2025-06-01.

Conditions:
Inborn genetic diseases. Identifiers: MedGen C0950123, MeSH D030342.
Neuropathy, hereditary sensory and autonomic, type 2A (HSAN2A). Also called: HSAN IIA; MORVAN DISEASE; NEUROPATHY, CONGENITAL SENSORY; NEUROPATHY, HEREDITARY SENSORY RADICULAR, AUTOSOMAL RECESSIVE; NEUROPATHY, HEREDITARY SENSORY, TYPE IIA; NEUROPATHY, PROGRESSIVE SENSORY, OF CHILDREN. Identifiers: Orphanet 970, MedGen C2752089, MONDO:0024309, OMIM 201300.
Pseudohypoaldosteronism type 2C (PHA2C). Also called: Pseudohypoaldosteronism Type IIC. Identifiers: Orphanet 757, Orphanet 88940, MedGen C1840391, MONDO:0013778, OMIM 614492.

Allele frequency attached by ClinVar (database versions not stated): gnomAD 0.00001; gnomAD exomes 0.00001; TOPMed 0.00002.
gnomAD v4.1: 9 of 1,614,058 alleles (0.00056%); highest among the groups gnomAD compares: Non-Finnish European, 0.00076%; no homozygotes.

Submissions (3):

CeGaT Center for Human Genetics Tuebingen
Classification: Uncertain significance. Last evaluated: 2025-06-01. Review status: criteria provided, single submitter. Criteria: CeGaT Center For Human Genetics Tuebingen Variant Classification Criteria Version 2. Collection method: clinical testing. Allele origin: germline. Affected: yes. Observed: 1 variant allele.
Comment: WNK1: PM2

Labcorp Genetics (formerly Invitae), Labcorp
Classification: Uncertain significance for Neuropathy, hereditary sensory and autonomic, type 2A; Pseudohypoaldosteronism type 2C. Last evaluated: 2024-08-31. Review status: criteria provided, single submitter. Criteria: Invitae Variant Classification Sherloc (09022015). Collection method: clinical testing. Allele origin: germline.
Comment: This sequence change replaces proline, which is neutral and non-polar, with arginine, which is basic and polar, at codon 1863 of the WNK1 protein (p.Pro1863Arg). This variant is present in population databases (no rsID available, gnomAD 0.002%). This variant has not been reported in the literature in individuals affected with WNK1-related conditions. ClinVar contains an entry for this variant (Variation ID: 639587). Invitae Evidence Modeling of protein sequence and biophysical properties (such as structural, functional, and spatial information, amino acid conservation, physicochemical variation, residue mobility, and thermodynamic stability) indicates that this missense variant is not expected to disrupt WNK1 protein function with a negative predictive value of 95%. In summary, the available evidence is currently insufficient to determine the role of this variant in disease. Therefore, it has been classified as a Variant of Uncertain Significance.

Ambry Genetics
Classification: Uncertain significance for Inborn genetic diseases. Last evaluated: 2019-09-13. Review status: criteria provided, single submitter. Criteria: Ambry Variant Classification Scheme 2023. Collection method: clinical testing. Allele origin: germline.
Comment: The p.P1863R variant (also known as c.5588C>G), located in coding exon 19 of the WNK1 gene, results from a C to G substitution at nucleotide position 5588. The proline at codon 1863 is replaced by arginine, an amino acid with dissimilar properties. This amino acid position is highly conserved in available vertebrate species. In addition, this alteration is predicted to be deleterious by in silico analysis. Since supporting evidence is limited at this time, the clinical significance of this alteration remains unclear.

NM_018979.4(WNK1):c.4832C>G (p.Pro1611Arg)

Gene: WNK1 (WNK lysine deficient protein kinase 1; plus strand). Cytogenetic location: 12p13.33.
Variant type: single nucleotide variant.
Coding change: c.4832C>G on transcript NM_018979.4 (MANE Select); coding-DNA position 4832, C replaced by G.
Protein change: p.Pro1611Arg; replaces proline 1611 with arginine.
Molecular consequence: missense variant.
Genome position (GRCh38, 1-based): chr12:885,636, C>G. VCF-style: chr12-885636-C-G. GRCh37 (hg19) VCF-style: chr12-994802-C-G.
Other names: c.5612C>G, p.Pro1871Arg (NM_001184985.2); c.4091C>G, p.Pro1364Arg (NM_014823.3); c.5588C>G, p.Pro1863Arg (NM_213655.5); short protein forms P1863R, P1871R, P1364R, P1611R.
Identifiers: ClinVar variation 639587 (VCV000639587.18), dbSNP rs949556621, ClinGen allele CA231479429.